The following is an entry in ClinVar:

NM_000484.4(APP):c.826A>G (p.Thr276Ala)

Gene: APP (amyloid beta precursor protein; minus strand). Cytogenetic location: 21q21.3.
Variant type: single nucleotide variant.
Coding change: c.826A>G on transcript NM_000484.4 (MANE Select); coding-DNA position 826, A replaced by G.
Protein change: p.Thr276Ala; replaces threonine 276 with alanine.
Molecular consequence: missense variant.
Genome position (GRCh38, 1-based): chr21:26,021,879, T>C on the plus strand (A>G on the coding strand, the complement: APP is on the minus strand). VCF-style: chr21-26021879-T-C. GRCh37 (hg19) VCF-style: chr21-27394195-T-C.
Other names: c.811A>G, p.Thr271Ala (NM_001136016.3); c.658A>G, p.Thr220Ala (NM_001136129.3, NM_001136130.3); c.721A>G, p.Thr241Ala (NM_001136131.3); c.826A>G, p.Thr276Ala (NM_001204301.2, NM_001204302.2, NM_001204303.2 and 3 more transcripts); short protein forms T220A, T241A, T271A, T276A.
Identifiers: ClinVar variation 2633848 (VCV002633848.1), dbSNP rs202198008, ClinGen allele CA9987557.

ClinVar aggregate classification (germline): Uncertain significance (1 of 4 stars; one submission).

Conditions:
APP-related disorder. Also called: APP-related condition.

gnomAD v4.1: 5 of 1,613,758 alleles (0.00031%); highest among the groups gnomAD compares: South Asian, 0.0022%; no homozygotes.

Submission:

PreventionGenetics, part of Exact Sciences
Classification: Uncertain significance for APP-related condition. Last evaluated: 2023-04-05. Review status: criteria provided, single submitter. Criteria: ACMG Guidelines, 2015. Collection method: clinical testing. Allele origin: germline.
Comment: The APP c.826A>G variant is predicted to result in the amino acid substitution p.Thr276Ala. To our knowledge, this variant has not been reported in the literature. This variant is reported in 0.0033% of alleles in individuals of South Asian descent in gnomAD. At this time, the clinical significance of this variant is uncertain due to the absence of conclusive functional and genetic evidence.